The following is an entry in ClinVar:

NM_023036.6(DNAI2):c.325G>A (p.Ala109Thr)

Gene: DNAI2 (dynein axonemal intermediate chain 2; plus strand). Cytogenetic location: 17q25.1.
Variant type: single nucleotide variant.
Coding change: c.325G>A on transcript NM_023036.6 (MANE Select); coding-DNA position 325, G replaced by A.
Protein change: p.Ala109Thr; replaces alanine 109 with threonine.
Molecular consequence: missense variant. On other transcripts: non-coding transcript variant (1).
Genome position (GRCh38, 1-based): chr17:74,285,181, G>A. VCF-style: chr17-74285181-G-A. GRCh37 (hg19) VCF-style: chr17-72281320-G-A.
Other names: c.325G>A, p.Ala109Thr (NM_001172810.3, NM_001353167.2); short protein forms A109T.
Identifiers: ClinVar variation 325008 (VCV000325008.7), dbSNP rs192790912, ClinGen allele CA8745317.
Genomic context (GRCh38, chr17:74,285,181, plus strand): 5'-GAGCTGGAGCAGACCATCCGTTTCCGGAAGAAAGTGGAGAAAGATGAGAACTACGTTAAC[G>A]CCATCATGCAGCTCGGCTCTGTAAGGCTTCCTCCTGCCCCAGCTGCAAGAGCCCCATCCA-3'
Protein context (NP_075462.3, residues 99-119): KVEKDENYVN[Ala109Thr]IMQLGSIMEH

ClinVar aggregate classification (germline): Uncertain significance. Review status: criteria provided, multiple submitters, no conflicts (2 of 4 stars). 2 submissions from 2 submitters: Uncertain significance (2). Last evaluated 2022-06-01.

Conditions:
Primary ciliary dyskinesia 9. Also called: CILIARY DYSKINESIA, PRIMARY, 9, WITH OR WITHOUT SITUS INVERSUS. Identifiers: Orphanet 244, MedGen C2676235, MONDO:0012906, OMIM 612444.
Primary ciliary dyskinesia. Also called: Ciliary dyskinesia. Identifiers: Orphanet 244, MedGen C0008780, MONDO:0016575, HP:0012265.

Allele frequency attached by ClinVar (database versions not stated): ExAC 0.00001; gnomAD exomes 0.00002; TOPMed 0.00003; gnomAD 0.00004 and 0.00005; 1000 Genomes Project 30x 0.00031; 1000 Genomes Project 0.00040.

Submissions (2):

Labcorp Genetics (formerly Invitae), Labcorp
Classification: Uncertain significance for Primary ciliary dyskinesia. Last evaluated: 2022-06-01. Review status: criteria provided, single submitter. Criteria: Invitae Variant Classification Sherloc (09022015). Collection method: clinical testing. Allele origin: germline.
Comment: This sequence change replaces alanine, which is neutral and non-polar, with threonine, which is neutral and polar, at codon 109 of the DNAI2 protein (p.Ala109Thr). This variant is present in population databases (rs192790912, gnomAD 0.004%). This variant has not been reported in the literature in individuals affected with DNAI2-related conditions. ClinVar contains an entry for this variant (Variation ID: 325008). Algorithms developed to predict the effect of missense changes on protein structure and function output the following: SIFT: "Tolerated"; PolyPhen-2: "Benign"; Align-GVGD: "Class C0". The threonine amino acid residue is found in multiple mammalian species, which suggests that this missense change does not adversely affect protein function. In summary, the available evidence is currently insufficient to determine the role of this variant in disease. Therefore, it has been classified as a Variant of Uncertain Significance.

Illumina Laboratory Services, Illumina
Classification: Uncertain significance for Primary ciliary dyskinesia 9. Last evaluated: 2018-01-12. Review status: criteria provided, single submitter. Criteria: ICSL Variant Classification Criteria 13 December 2019. Collection method: clinical testing. Allele origin: germline.